The following is an entry in ClinVar:

NM_032043.3(BRIP1):c.3493A>T (p.Ile1165Phe)

Gene: BRIP1 (BRCA1 interacting DNA helicase 1; minus strand). Cytogenetic location: 17q23.2.
Variant type: single nucleotide variant.
Coding change: c.3493A>T on transcript NM_032043.3 (MANE Select); coding-DNA position 3493, A replaced by T.
Protein change: p.Ile1165Phe; replaces isoleucine 1165 with phenylalanine.
Molecular consequence: missense variant.
Genome position (GRCh38, 1-based): chr17:61,683,553, T>A on the plus strand (A>T on the coding strand, the complement: BRIP1 is on the minus strand). VCF-style: chr17-61683553-T-A. GRCh37 (hg19) VCF-style: chr17-59760914-T-A.
Other names: short protein forms I1165F.
Identifiers: ClinVar variation 864404 (VCV000864404.10), dbSNP rs771889454, ClinGen allele CA400478547.

ClinVar aggregate classification (germline): Uncertain significance (1 of 4 stars; one submission).

Conditions:
Familial cancer of breast. Also called: hereditary breast carcinoma; BREAST CANCER, FAMILIAL; Hereditary breast cancer. Identifiers: Orphanet 227535, MedGen C0346153, MONDO:0016419, OMIM 114480. Disease mechanism: loss of function.
Fanconi anemia complementation group J. Also called: BRIP1-Related Fanconi Anemia. Identifiers: Orphanet 84, MedGen C1836860, MONDO:0012187, OMIM 609054.

Submission:

Labcorp Genetics (formerly Invitae), Labcorp
Classification: Uncertain significance for Familial cancer of breast; Fanconi anemia complementation group J. Last evaluated: 2020-07-14. Review status: criteria provided, single submitter. Criteria: Invitae Variant Classification Sherloc (09022015). Collection method: clinical testing. Allele origin: germline.
Comment: In summary, the available evidence is currently insufficient to determine the role of this variant in disease. Therefore, it has been classified as a Variant of Uncertain Significance. Algorithms developed to predict the effect of missense changes on protein structure and function output the following: SIFT: "Tolerated"; PolyPhen-2: "Benign"; Align-GVGD: "Class C0". The phenylalanine amino acid residue is found in multiple mammalian species, suggesting that this missense change does not adversely affect protein function. These predictions have not been confirmed by published functional studies and their clinical significance is uncertain. This variant has not been reported in the literature in individuals with BRIP1-related conditions. This variant is not present in population databases (ExAC no frequency). This sequence change replaces isoleucine with phenylalanine at codon 1165 of the BRIP1 protein (p.Ile1165Phe). The isoleucine residue is weakly conserved and there is a small physicochemical difference between isoleucine and phenylalanine.